The following is an entry in ClinVar:

ClinVar aggregate classification (germline): Conflicting classifications of pathogenicity. Review status: criteria provided, conflicting classifications (1 of 4 stars). 2 submissions from 2 submitters: Uncertain significance (1); Benign (1). Last evaluated 2025-12-24.

Conditions:
Inborn genetic diseases. Identifiers: MedGen C0950123, MeSH D030342.
Early-infantile DEE. Also called: Early infantile epileptic encephalopathy; Early infantile epileptic encephalopathy with suppression bursts; Ohtahara syndrome. Identifiers: Orphanet 1934, MedGen C0393706, MONDO:0800491.

Allele frequency attached by ClinVar (database versions not stated): TOPMed 0.00002; gnomAD 0.00005 and 0.00007; ESP Exome Variant Server 0.00008.
gnomAD v4.1: 29 of 1,613,360 alleles (0.0018%); highest among the groups gnomAD compares: African/African-American, 0.021%; no homozygotes.

Submissions (2):

Labcorp Genetics (formerly Invitae), Labcorp
Classification: Benign for Early-infantile DEE. Last evaluated: 2025-12-24. Review status: criteria provided, single submitter. Criteria: Invitae Variant Classification Sherloc (09022015). Collection method: clinical testing. Allele origin: germline.

Ambry Genetics
Classification: Uncertain significance for Inborn genetic diseases. Last evaluated: 2024-08-01. Review status: criteria provided, single submitter. Criteria: Ambry Variant Classification Scheme 2023. Collection method: clinical testing. Allele origin: germline.
Comment: Unlikely to be causative of SPTAN1-related developmental and epileptic encephalopathy (AD) Based on insufficient or conflicting evidence, the clinical significance of this alteration remains unclear.

NM_001130438.3(SPTAN1):c.6826G>A (p.Ala2276Thr)

Gene: SPTAN1 (spectrin alpha, non-erythrocytic 1; plus strand). Cytogenetic location: 9q34.11.
Variant type: single nucleotide variant.
Coding change: c.6826G>A on transcript NM_001130438.3 (MANE Select); coding-DNA position 6826, G replaced by A.
Protein change: p.Ala2276Thr; replaces alanine 2276 with threonine.
Molecular consequence: missense variant.
Genome position (GRCh38, 1-based): chr9:128,632,190, G>A. VCF-style: chr9-128632190-G-A. GRCh37 (hg19) VCF-style: chr9-131394469-G-A.
Other names: c.6751G>A, p.Ala2251Thr (NM_001195532.2); c.6889G>A, p.Ala2297Thr (NM_001363759.2); c.6766G>A, p.Ala2256Thr (NM_001363765.2); c.6811G>A, p.Ala2271Thr (NM_003127.4); short protein forms A2251T, A2256T, A2276T, A2297T, A2271T.
Identifiers: ClinVar variation 642556 (VCV000642556.12), dbSNP rs375244907, ClinGen allele CA5265919.